The following is an entry in ClinVar:

ClinVar aggregate classification (germline): Uncertain significance (1 of 4 stars; one submission).

Conditions:
DSCAML1-related disorder. Also called: DSCAML1-related condition.

Submission:

PreventionGenetics, part of Exact Sciences
Classification: Uncertain significance for DSCAML1-related condition. Last evaluated: 2026-06-20. Review status: criteria provided, single submitter. Criteria: ACMG Guidelines, 2015. Collection method: clinical testing. Allele origin: germline.
Comment: The DSCAML1 c.6239T>A variant is predicted to result in the amino acid substitution p.Met2080Lys. To our knowledge, this variant has not been reported in the literature or in a large population database (gnomAD), indicating this variant is rare. At this time, the clinical significance of this variant is uncertain due to the absence of conclusive functional and genetic evidence.

NM_020693.4(DSCAML1):c.6059T>A (p.Met2020Lys)

Gene: DSCAML1 (DS cell adhesion molecule like 1; minus strand). Cytogenetic location: 11q23.3.
Variant type: single nucleotide variant.
Coding change: c.6059T>A on transcript NM_020693.4 (MANE Select); coding-DNA position 6059, T replaced by A.
Protein change: p.Met2020Lys; replaces methionine 2020 with lysine.
Molecular consequence: missense variant.
Genome position (GRCh38, 1-based): chr11:117,428,431, A>T on the plus strand (T>A on the coding strand, the complement: DSCAML1 is on the minus strand). VCF-style: chr11-117428431-A-T. GRCh37 (hg19) VCF-style: chr11-117299147-A-T.
Other names: short protein forms M2020K.
Identifiers: ClinVar variation 4987500 (VCV004987500.1).